The following is an entry in ClinVar:

ClinVar aggregate classification (germline): Conflicting classifications of pathogenicity. Review status: criteria provided, conflicting classifications (1 of 4 stars). 3 submissions from 3 submitters: Pathogenic (1); Likely pathogenic (1); Uncertain significance (1). Last evaluated 2025-03-14.

Conditions:
Hereditary cancer-predisposing syndrome. Also called: Tumor predisposition; Hereditary neoplastic syndrome; Neoplastic Syndromes, Hereditary; Hereditary Cancer Syndrome. Identifiers: Orphanet 140162, MedGen C0027672, MeSH D009386, MONDO:0015356.
Endometrial carcinoma. Also called: Endometrial carcinoma, somatic. Identifiers: MedGen C0476089, MONDO:0002447, OMIM 608089, HP:0012114.

Allele frequency attached by ClinVar (database versions not stated): TOPMed below 0.00001.

Submissions (3):

Ambry Genetics
Classification: Uncertain significance for Hereditary cancer-predisposing syndrome. Last evaluated: 2025-03-14. Review status: criteria provided, single submitter. Criteria: Ambry Variant Classification Scheme 2023. Collection method: clinical testing. Allele origin: germline.
Comment: The c.1173+1G>A intronic variant results from a G to A substitution one nucleotide after coding exon 7 of the MSH3 gene. Alterations that disrupt the canonical splice site are expected to cause aberrant splicing, resulting in an abnormal protein or a transcript that is subject to nonsense-mediated mRNA decay. However, in silico splice site analysis for this alteration is inconclusive. This nucleotide position is highly conserved in available vertebrate species. Based on the available evidence, the clinical significance of this alteration remains unclear.

Labcorp Genetics (formerly Invitae), Labcorp
Classification: Pathogenic. Last evaluated: 2023-03-03. Review status: criteria provided, single submitter. Criteria: Invitae Variant Classification Sherloc (09022015). Collection method: clinical testing. Allele origin: germline.
Comment: This variant is not present in population databases (gnomAD no frequency). This sequence change affects a donor splice site in intron 7 of the MSH3 gene. RNA analysis indicates that disruption of this splice site induces altered splicing and may result in an absent or disrupted protein product. Disruption of this splice site has been observed in individual(s) with clinical features of MSH3-related conditions (Invitae). In at least one individual the data is consistent with being in trans (on the opposite chromosome) from a pathogenic variant. ClinVar contains an entry for this variant (Variation ID: 1358291). For these reasons, this variant has been classified as Pathogenic. Studies have shown that disruption of this splice site results in skipping of exon 7 and introduces a premature termination codon (Invitae). The resulting mRNA is expected to undergo nonsense-mediated decay.

Baylor Genetics
Classification: Likely pathogenic for Endometrial carcinoma. Last evaluated: 2022-03-04. Review status: criteria provided, single submitter. Criteria: ACMG Guidelines, 2015. Collection method: clinical testing. Allele origin: unknown.

NM_002439.5(MSH3):c.1173+1G>A

Gene: MSH3 (mutS homolog 3; plus strand). Cytogenetic location: 5q14.1.
Variant type: single nucleotide variant.
Coding change: c.1173+1G>A on transcript NM_002439.5 (MANE Select); the canonical splice donor site of the intron after coding-DNA position 1173, G replaced by A.
Molecular consequence: splice donor variant.
Genome position (GRCh38, 1-based): chr5:80,675,129, G>A. VCF-style: chr5-80675129-G-A. GRCh37 (hg19) VCF-style: chr5-79970948-G-A.
Other names: c.1173+1G>A (NM_002439.3).
Identifiers: ClinVar variation 1358291 (VCV001358291.10), dbSNP rs928721752, ClinGen allele CA121295266.